The following is an entry in ClinVar:

NM_001177316.2(SLC34A3):c.135G>A (p.Trp45Ter)

Gene: SLC34A3 (solute carrier family 34 member 3; plus strand). Cytogenetic location: 9q34.3.
Variant type: single nucleotide variant.
Coding change: c.135G>A on transcript NM_001177316.2 (MANE Select); coding-DNA position 135, G replaced by A.
Protein change: p.Trp45Ter; replaces tryptophan 45 with a stop codon.
Molecular consequence: nonsense.
Genome position (GRCh38, 1-based): chr9:137,232,121, G>A. VCF-style: chr9-137232121-G-A. GRCh37 (hg19) VCF-style: chr9-140126573-G-A.
Other names: c.135G>A, p.Trp45Ter (NM_001177317.2, NM_080877.3); short protein forms W45*.
Identifiers: ClinVar variation 4526815 (VCV004526815.1).

ClinVar aggregate classification (germline): Pathogenic (1 of 4 stars; one submission).

Conditions:
Autosomal recessive hypophosphatemic bone disease (HHRH). Also called: HYPERCALCIURIC RICKETS; Hypophosphatemic rickets with hypercalciuria. Identifiers: Orphanet 157215, MedGen C1853271, MONDO:0009431, OMIM 241530.

gnomAD v4.1: 14 of 1,613,200 alleles (0.00087%); highest among the groups gnomAD compares: South Asian, 0.014%; no homozygotes.

Submission:

Rare Kidney Stone Consortium and the Mayo Clinic Hyperoxaluria Center, Mayo Clinic
Classification: Pathogenic for Autosomal recessive hypophosphatemic bone disease. Last evaluated: 2025-10-03. Review status: criteria provided, single submitter. Criteria: ACMG Guidelines, 2015. Collection method: research. Allele origin: germline. Affected: yes. Observed: 1 variant allele.
Comment: ACMG:PVS1, PM2, PP4

Literature cited by the submitters: PubMed 40794449.